The following is an entry in ClinVar:

ClinVar aggregate classification (germline): Pathogenic (1 of 4 stars; one submission).

Conditions:
Carnitine palmitoyl transferase 1A deficiency. Also called: CPT I DEFICIENCY; CPT DEFICIENCY, HEPATIC, TYPE I; CPT deficiency, hepatic, type IA; Carnitine palmitoyltransferase 1A deficiency; Carnitine palmitoyltransferase type I deficiency. Identifiers: Orphanet 156, MedGen C1829703, MONDO:0009705, OMIM 255120.

Submission:

Labcorp Genetics (formerly Invitae), Labcorp
Classification: Pathogenic for Carnitine palmitoyl transferase 1A deficiency. Last evaluated: 2020-10-13. Review status: criteria provided, single submitter. Criteria: Invitae Variant Classification Sherloc (09022015). Collection method: clinical testing. Allele origin: germline.
Comment: For these reasons, this variant has been classified as Pathogenic. This variant has not been reported in the literature in individuals with CPT1A-related conditions. This variant is a gross deletion of the genomic region encompassing exon(s) 8-9 of the CPT1A gene. This deletion is out-of-frame, and is expected to create a premature translational stop signal and result in an absent or disrupted protein product. Loss-of-function variants in CPT1A are known to be pathogenic (PMID: 16169268).

Literature cited by the submitters: PubMed 16169268.

NC_000011.9:g.(?_68560773)_(68562389_?)del

Gene: CPT1A (carnitine palmitoyltransferase 1A; minus strand). Cytogenetic location: 11q13.3.
Variant type: Deletion.
Identifiers: ClinVar variation 1070019 (VCV001070019.7).